The following is an entry in ClinVar:

ClinVar aggregate classification (germline): Benign. Review status: criteria provided, multiple submitters, no conflicts (2 of 4 stars). 12 submissions from 9 submitters: Benign (11). 1 of the submissions does not count toward it. Last evaluated 2026-02-04.

Conditions:
Autosomal recessive cerebellar ataxia. Also called: Spinocerebellar Ataxia, Recessive; Spinocerebellar ataxia, autosomal recessive. Identifiers: Orphanet 1172, MedGen C5575375, MONDO:0015244.
Infantile onset spinocerebellar ataxia (MTDPS7). Also called: SPINOCEREBELLAR ATAXIA, INFANTILE, WITH SENSORY NEUROPATHY; Mitochondrial DNA depletion syndrome 7 (hepatocerebral type); OPHTHALMOPLEGIA, HYPOTONIA, ATAXIA, HYPOACUSIS, AND ATHETOSIS; OHAHA SYNDROME. Identifiers: Orphanet 1186, MedGen C1849096, MONDO:0010060, OMIM 271245.
Sensory ataxic neuropathy, dysarthria, and ophthalmoparesis (SANDO). Also called: Ataxia Neuropathy Spectrum (ANS); Sensory ataxic neuropathy-dysarthria-ophthalmoparesis syndrome; SENSORY ATAXIC NEUROPATHY WITH MITOCHONDRIAL DNA DELETIONS, AUTOSOMAL RECESSIVE; Epilepsy, progressive myoclonic, type 5. Identifiers: Orphanet 70595, MedGen C1843851, MONDO:0011835, OMIM 607459.
Progressive external ophthalmoplegia with mitochondrial DNA deletions, autosomal dominant 3. Also called: PROGRESSIVE EXTERNAL OPHTHALMOPLEGIA, AUTOSOMAL DOMINANT 3. Identifiers: MedGen C1836439, MONDO:0012241, OMIM 609286.

Allele frequency attached by ClinVar (database versions not stated): 1000 Genomes Project 0.37600; gnomAD exomes 0.23018 and 0.27429; ESP Exome Variant Server 0.25573; ExAC 0.27520; gnomAD 0.28631 and 0.28926; TOPMed 0.30989; 1000 Genomes Project 30x 0.37258.
gnomAD v4.1: 380,887 of 1,612,110 alleles (24%); highest among the groups gnomAD compares: East Asian, 55%; 51,482 homozygotes.

Submissions (12):

Labcorp Genetics (formerly Invitae), Labcorp
Classification: Benign. Last evaluated: 2026-02-04. Review status: criteria provided, single submitter. Criteria: Invitae Variant Classification Sherloc (09022015). Collection method: clinical testing. Allele origin: germline.

Blueprint Genetics
Classification: Benign. Last evaluated: 2024-11-27. Review status: criteria provided, single submitter. Criteria: ACMG Guidelines, 2015. Collection method: clinical testing. Allele origin: germline.

ARUP Laboratories, Molecular Genetics and Genomics, ARUP Laboratories
Classification: Benign. Last evaluated: 2023-11-29. Review status: criteria provided, single submitter. Criteria: ARUP Molecular Germline Variant Investigation Process 2024. Collection method: clinical testing. Allele origin: germline.

Illumina Laboratory Services, Illumina
Classification: Benign for Infantile onset spinocerebellar ataxia. Last evaluated: 2018-01-12. Review status: criteria provided, single submitter. Criteria: ICSL Variant Classification Criteria 13 December 2019. Collection method: clinical testing. Allele origin: germline.
Comment: This variant was observed in the ICSL laboratory as part of a predisposition screen in an ostensibly healthy population. It had not been previously curated by ICSL or reported in the Human Gene Mutation Database (HGMD: prior to June 1st, 2018), and was therefore a candidate for classification through an automated scoring system. Utilizing variant allele frequency, disease prevalence and penetrance estimates, and inheritance mode, an automated score was calculated to assess if this variant is too frequent to cause the disease. Based on the score and internal cut-off values, a variant classified as benign is not then subjected to further curation. The score for this variant resulted in a classification of benign for this disease.

Illumina Laboratory Services, Illumina
Classification: Benign for Sensory ataxic neuropathy-dysarthria-ophthalmoparesis syndrome. Last evaluated: 2018-01-12. Review status: criteria provided, single submitter. Criteria: ICSL Variant Classification Criteria 13 December 2019. Collection method: clinical testing. Allele origin: germline.
Comment: the same text as in the submission from Illumina Laboratory Services, Illumina above.

Illumina Laboratory Services, Illumina
Classification: Benign for Autosomal recessive cerebellar ataxia. Last evaluated: 2018-01-12. Review status: criteria provided, single submitter. Criteria: ICSL Variant Classification Criteria 13 December 2019. Collection method: clinical testing. Allele origin: germline.
Comment: the same text as in the submission from Illumina Laboratory Services, Illumina above.

Illumina Laboratory Services, Illumina
Classification: Benign for Progressive external ophthalmoplegia with mitochondrial DNA deletions, autosomal dominant 3. Last evaluated: 2018-01-12. Review status: criteria provided, single submitter. Criteria: ICSL Variant Classification Criteria 13 December 2019. Collection method: clinical testing. Allele origin: germline.
Comment: the same text as in the submission from Illumina Laboratory Services, Illumina above.

Athena Diagnostics
Classification: Benign. Last evaluated: 2017-07-26. Review status: criteria provided, single submitter. Criteria: Athena Diagnostics Criteria. Collection method: clinical testing. Allele origin: germline.

GeneDx
Classification: Benign. Last evaluated: 2011-07-01. Review status: criteria provided, single submitter. Criteria: GeneDx Variant Classification (06012015). Collection method: clinical testing. Allele origin: germline. Affected: yes.
Comment: This variant is considered likely benign or benign based on one or more of the following criteria: it is a conservative change, it occurs at a poorly conserved position in the protein, it is predicted to be benign by multiple in silico algorithms, and/or has population frequency not consistent with disease.

Breakthrough Genomics
Classification: Benign. Review status: criteria provided, single submitter. Criteria: ACMG Guidelines, 2015. Collection method: not provided. Allele origin: germline. Inheritance: Autosomal recessive inheritance. Affected: yes.

PreventionGenetics, part of Exact Sciences
Classification: Benign. Review status: criteria provided, single submitter. Criteria: ACMG Guidelines, 2015. Collection method: clinical testing. Allele origin: germline.

Mayo Clinic Laboratories, Mayo Clinic
Classification: Benign. Last evaluated: 2016-02-11. Review status: no assertion criteria provided. Collection method: clinical testing. Allele origin: unknown. Not counted in ClinVar's aggregate classification.

NM_021830.5(TWNK):c.1593-3T>C

Gene: TWNK (twinkle mtDNA helicase; plus strand). Cytogenetic location: 10q24.31.
Variant type: single nucleotide variant.
Coding change: c.1593-3T>C on transcript NM_021830.5 (MANE Select); 3 bases into the intron before coding-DNA position 1593, T replaced by C.
Molecular consequence: intron variant.
Genome position (GRCh38, 1-based): chr10:100,990,866, T>C. VCF-style: chr10-100990866-T-C. GRCh37 (hg19) VCF-style: chr10-102750623-T-C.
Other names: c.1593-3T>C (NM_001163812.2); c.231-3T>C (NM_001163814.2, NM_001163813.2, NM_001368275.1).
Identifiers: ClinVar variation 136590 (VCV000136590.28), dbSNP rs3740486, ClinGen allele CA289758.
Genomic context (GRCh38, chr10:100,990,866, plus strand): 5'-AGTATGTGTATGTTCTTGTCCTTCTGTGTCTGATAAGCTCTTTGTGTTGTTGGGATGGCG[T>C]AGGATCGCAGCTCAAGACTACATCATCGGGGTCTTTCGGAAGTTTGCAACAGACAATAAC-3'